The following is an entry in ClinVar:

ClinVar aggregate classification (germline): Uncertain significance (1 of 4 stars; one submission).

Conditions:
Renal cell carcinoma. Identifiers: Orphanet 217071, MedGen C0007134, MeSH D002292, MONDO:0005086, HP:0005584.

Submission:

Labcorp Genetics (formerly Invitae), Labcorp
Classification: Uncertain significance for Renal cell carcinoma. Last evaluated: 2022-02-07. Review status: criteria provided, single submitter. Criteria: Invitae Variant Classification Sherloc (09022015). Collection method: clinical testing. Allele origin: germline.
Comment: This sequence change replaces glutamine, which is neutral and polar, with leucine, which is neutral and non-polar, at codon 830 of the MET protein (p.Gln830Leu). This variant is not present in population databases (gnomAD no frequency). This variant has not been reported in the literature in individuals affected with MET-related conditions. Algorithms developed to predict the effect of missense changes on protein structure and function are either unavailable or do not agree on the potential impact of this missense change (SIFT: "Deleterious"; PolyPhen-2: "Benign"; Align-GVGD: "Class C0"). In summary, the available evidence is currently insufficient to determine the role of this variant in disease. Therefore, it has been classified as a Variant of Uncertain Significance.

NM_000245.4(MET):c.2435A>T (p.Gln812Leu)

Gene: MET (MET proto-oncogene, receptor tyrosine kinase; plus strand). Cytogenetic location: 7q31.2.
Variant type: single nucleotide variant.
Coding change: c.2435A>T on transcript NM_000245.4 (MANE Select); coding-DNA position 2435, A replaced by T.
Protein change: p.Gln812Leu; replaces glutamine 812 with leucine.
Molecular consequence: missense variant.
Genome position (GRCh38, 1-based): chr7:116,763,120, A>T. VCF-style: chr7-116763120-A-T. GRCh37 (hg19) VCF-style: chr7-116403174-A-T.
Other names: c.2489A>T, p.Gln830Leu (NM_001127500.3); c.2435A>T, p.Gln812Leu (NM_001324401.3); c.1145A>T, p.Gln382Leu (NM_001324402.2); short protein forms Q830L, Q382L, Q812L.
Identifiers: ClinVar variation 2094380 (VCV002094380.4), dbSNP rs777833095, ClinGen allele CA368983177.